The following is an entry in ClinVar:

NM_001242896.3(DEPDC5):c.2489_2511del (p.Leu830fs)

Gene: DEPDC5 (DEP domain containing 5, GATOR1 subcomplex subunit; plus strand). Cytogenetic location: 22q12.3.
Variant type: Deletion.
Coding change: c.2489_2511del on transcript NM_001242896.3 (MANE Select); coding-DNA positions 2489 to 2511, 23 bases deleted (TGAGCAGTAGCCCACTCTATAGC).
Protein change: p.Leu830fs; shifts the reading frame from leucine 830.
Molecular consequence: frameshift variant. On other transcripts: non-coding transcript variant (5).
Genome position (GRCh38, 1-based): chr22:31,838,819-31,838,841, TGAGCAGTAGCCCACTCTATAGC deleted; deleting any 23 consecutive bases within chr22:31,838,817-31,838,841 gives the same sequence; the c. name uses the placement nearest the transcript's 3' end. VCF-style (leftmost placement, unchanged base first): chr22-31838816-CGCTGAGCAGTAGCCCACTCTATA-C. GRCh37 (hg19) VCF-style: chr22-32234802-CGCTGAGCAGTAGCCCACTCTATA-C.
Other names: c.2462_2484del, p.Leu821fs (NM_001136029.4, NM_001369903.1, NM_014662.6); c.2255_2277del, p.Leu752fs (NM_001242897.2, NM_001363854.2, NM_001364319.2); c.2489_2511del, p.Leu830fs (NM_001363852.2, NM_001364318.2, NM_001364320.2); c.2405_2427del, p.Leu802fs (NM_001369901.1, NM_001369902.1); short protein forms L752fs, L802fs, L821fs, L830fs.
Identifiers: ClinVar variation 1074181 (VCV001074181.7), dbSNP rs2148968890, ClinGen allele CA2499226162.
Genomic context (GRCh38, chr22:31,838,816, plus strand): 5'-AGGGCTACCAAATCATAGTGCAGCCCAAGACACAGAAACCCAATCCTGCTGTCCCGCCCC[CGCTGAGCAGTAGCCCACTCTATA>C]GCCGAGGTGAGTTTTTCTCCTTGGATTTCTATTTTTTTCTCTTCTACTGTGTATGTGGAA-3'

ClinVar aggregate classification (germline): Pathogenic (1 of 4 stars; one submission).

Conditions:
Familial focal epilepsy with variable foci (FPEVF). Identifiers: Orphanet 98820, MedGen C1858477, MONDO:0020310.

Submission:

Labcorp Genetics (formerly Invitae), Labcorp
Classification: Pathogenic for Familial focal epilepsy with variable foci. Last evaluated: 2020-06-26. Review status: criteria provided, single submitter. Criteria: Invitae Variant Classification Sherloc (09022015). Collection method: clinical testing. Allele origin: germline.
Comment: For these reasons, this variant has been classified as Pathogenic. Loss-of-function variants in DEPDC5 are known to be pathogenic (PMID: 23542697, 23542701). This variant has not been reported in the literature in individuals with DEPDC5-related conditions. This variant is not present in population databases (ExAC no frequency). This sequence change creates a premature translational stop signal (p.Leu830Profs*10) in the DEPDC5 gene. It is expected to result in an absent or disrupted protein product.

Literature cited by the submitters: PubMed 23542697; PubMed 23542701.